The following is an entry in ClinVar:

ClinVar aggregate classification (germline): Uncertain significance (1 of 4 stars; one submission).

gnomAD v4.1: 36 of 1,611,366 alleles (0.0022%); highest among the groups gnomAD compares: Non-Finnish European, 0.0027%; no homozygotes.

Submission:

Women's Health and Genetics/Laboratory Corporation of America, LabCorp
Classification: Uncertain significance. Last evaluated: 2025-01-29. Review status: criteria provided, single submitter. Criteria: LabCorp Variant Classification Summary - May 2015. Collection method: clinical testing. Allele origin: germline.
Comment: Variant summary: TTN c.10303+1175C>G is located at a position not widely known to affect splicing. This variant corresponds to c.10411C>G, p.Leu3471Val in NM_001267550. Consensus agreement among computation tools predict no significant impact on normal splicing. However, these predictions have yet to be confirmed by functional studies. The variant allele was found at a frequency of 1.2e-05 in 247254 control chromosomes. The available data on variant occurrences in the general population are insufficient to allow any conclusion about variant significance. To our knowledge, no occurrence of c.10303+1175C>G in individuals affected with TTN-related conditions and no experimental evidence demonstrating its impact on protein function have been reported. No submitters have cited clinical-significance assessments for this variant to ClinVar. Based on the evidence outlined above, the variant was classified as uncertain significance.

NM_001267550.2(TTN):c.10411C>G (p.Leu3471Val)

Gene: TTN (titin; minus strand). Cytogenetic location: 2q31.2.
Variant type: single nucleotide variant.
Coding change: c.10411C>G on transcript NM_001267550.2 (MANE Select); coding-DNA position 10411, C replaced by G.
Protein change: p.Leu3471Val; replaces leucine 3471 with valine.
Molecular consequence: missense variant. On other transcripts: intron variant (5).
Genome position (GRCh38, 1-based): chr2:178,757,809, G>C on the plus strand (C>G on the coding strand, the complement: TTN is on the minus strand). VCF-style: chr2-178757809-G-C. GRCh37 (hg19) VCF-style: chr2-179622536-G-C.
Other names: c.10273C>G, p.Leu3425Val (NM_133432.3); c.10165+1175C>G (NM_003319.4); c.10166-1012C>G (NM_133437.4); c.10303+1175C>G (NM_133378.4, NM_001256850.1, NM_133379.5); short protein forms L3425V, L3471V.
Identifiers: ClinVar variation 3769286 (VCV003769286.2).